The following is an entry in ClinVar:

ClinVar aggregate classification (germline): Benign/Likely benign. Review status: criteria provided, multiple submitters, no conflicts (2 of 4 stars). 2 submissions from 2 submitters: Benign (1); Likely benign (1). Last evaluated 2025-08-12.

Conditions:
Melanoma-pancreatic cancer syndrome. Identifiers: Orphanet 404560, MedGen C1838547, MONDO:0011713, OMIM 606719. Disease mechanism: loss of function.
Familial melanoma. Also called: Hereditary melanoma; Hereditary cutaneous melanoma. Identifiers: Orphanet 618, MedGen C1512419, MONDO:0018961.

Submissions (2):

Myriad Genetics, Inc.
Classification: Benign for Melanoma-pancreatic cancer syndrome. Last evaluated: 2025-08-12. Review status: criteria provided, single submitter. Criteria: Myriad Autosomal Dominant, Autosomal Recessive and X-Linked Classification Criteria (2023). Collection method: clinical testing. Allele origin: unknown.
Comment: This variant is considered benign. This variant is a silent/synonymous amino acid change and it is not expected to impact splicing.

Labcorp Genetics (formerly Invitae), Labcorp
Classification: Likely benign for Familial melanoma. Last evaluated: 2019-05-05. Review status: criteria provided, single submitter. Criteria: Invitae Variant Classification Sherloc (09022015). Collection method: clinical testing. Allele origin: germline.

NM_058195.4(CDKN2A):c.126T>G (p.Ala42=)

Gene: CDKN2A (cyclin dependent kinase inhibitor 2A; minus strand). Cytogenetic location: 9p21.3.
Variant type: single nucleotide variant.
Coding change: c.126T>G on transcript NM_058195.4 (MANE Plus Clinical); coding-DNA position 126, T replaced by G.
Protein change: p.Ala42=; no amino-acid change (alanine 42 retained).
Molecular consequence: synonymous variant. On other transcripts: intron variant (1).
Genome position (GRCh38, 1-based): chr9:21,994,206, A>C on the plus strand (T>G on the coding strand, the complement: CDKN2A is on the minus strand). VCF-style: chr9-21994206-A-C. GRCh37 (hg19) VCF-style: chr9-21994205-A-C.
Other names: c.-4+615T>G (NM_001363763.2).
Identifiers: ClinVar variation 1089517 (VCV001089517.6), dbSNP rs759238530, ClinGen allele CA464100297.
Genomic context (GRCh38, chr9:21,994,206, plus strand): 5'-TCTAGGAAGCGGCTGCTGCCCTAGACGCTGGCTCCTCAGTAGCATCAGCACGAGGGCCAC[A>C]GCGGCGGGCGCCCCTGGCGCTGCCCACTCCCCCGTGAGCCGCGGGATGTGAACCACGAAA-3'
Protein context (NP_478102.2, residues 32-52): GEWAAPGAPA[Ala42=]VALVLMLLRS